The following is an entry in ClinVar:

ClinVar aggregate classification (germline): Benign/Likely benign. Review status: criteria provided, multiple submitters, no conflicts (2 of 4 stars). 4 submissions from 4 submitters: Benign (2); Likely benign (2). Last evaluated 2025-09-02.

Conditions:
Rubinstein-Taybi syndrome due to EP300 haploinsufficiency. Also called: RUBINSTEIN-TAYBI SYNDROME 2; EP300-Related Rubinstein-Taybi Syndrome. Identifiers: Orphanet 353284, Orphanet 783, MedGen C3150941, MONDO:0013364, OMIM 613684.

Allele frequency attached by ClinVar (database versions not stated): TOPMed 0.00022; ExAC 0.00035; gnomAD exomes 0.00039 and 0.00008; 1000 Genomes Project 0.00100; 1000 Genomes Project 30x 0.00109; gnomAD 0.00012 and 0.00015.
gnomAD v4.1: 139 of 1,614,192 alleles (0.0086%); highest among the groups gnomAD compares: East Asian, 0.29%; no homozygotes.

Submissions (4):

Labcorp Genetics (formerly Invitae), Labcorp
Classification: Benign for Rubinstein-Taybi syndrome due to EP300 haploinsufficiency. Last evaluated: 2025-09-02. Review status: criteria provided, single submitter. Criteria: Invitae Variant Classification Sherloc (09022015). Collection method: clinical testing. Allele origin: germline.

CeGaT Center for Human Genetics Tuebingen
Classification: Likely benign. Last evaluated: 2025-05-01. Review status: criteria provided, single submitter. Criteria: CeGaT Center For Human Genetics Tuebingen Variant Classification Criteria Version 2. Collection method: clinical testing. Allele origin: germline. Affected: yes. Observed: 1 variant allele.
Comment: EP300: BP4, BS1

Blueprint Genetics
Classification: Likely benign. Last evaluated: 2024-08-22. Review status: criteria provided, single submitter. Criteria: ACMG Guidelines, 2015. Collection method: clinical testing. Allele origin: germline.

Eurofins Ntd Llc (ga)
Classification: Benign. Last evaluated: 2017-08-21. Review status: criteria provided, single submitter. Criteria: EGL Classification Definitions 2015. Collection method: clinical testing. Allele origin: germline. Observed: 1 variant allele, 1 heterozygote.

NM_001429.4(EP300):c.4026-7T>C

Gene: EP300 (EP300 lysine acetyltransferase; plus strand). Cytogenetic location: 22q13.2.
Variant type: single nucleotide variant.
Coding change: c.4026-7T>C on transcript NM_001429.4 (MANE Select); 7 bases into the intron before coding-DNA position 4026, T replaced by C.
Molecular consequence: intron variant.
Genome position (GRCh38, 1-based): chr22:41,168,714, T>C. VCF-style: chr22-41168714-T-C. GRCh37 (hg19) VCF-style: chr22-41564718-T-C.
Other names: c.3948-7T>C (NM_001362843.2).
Identifiers: ClinVar variation 341804 (VCV000341804.24), dbSNP rs187388966, ClinGen allele CA10253325.